The following is an entry in ClinVar:

ClinVar aggregate classification (germline): Likely pathogenic (1 of 4 stars; one submission).

Conditions:
Phenylketonuria (PKU). Also called: FOLLING DISEASE; Phenylketonurias; Phenylketonuria (PKU); OLIGOPHRENIA PHENYLPYRUVICA. Identifiers: Orphanet 716, MedGen C0031485, MONDO:0009861, OMIM 261600. Disease mechanism: loss of function.

Submission:

Labcorp Genetics (formerly Invitae), Labcorp
Classification: Likely pathogenic for Phenylketonuria. Last evaluated: 2022-01-02. Review status: criteria provided, single submitter. Criteria: Invitae Variant Classification Sherloc (09022015). Collection method: clinical testing. Allele origin: germline.
Comment: In summary, the currently available evidence indicates that the variant is pathogenic, but additional data are needed to prove that conclusively. Therefore, this variant has been classified as Likely Pathogenic. This variant disrupts the p.Ala300 amino acid residue in PAH. Other variant(s) that disrupt this residue have been determined to be pathogenic (PMID: 15557004, 17935162, 18538294, 22330942, 23764561, 25155776, 25596310, 26803807, 27682710). This suggests that this residue is clinically significant, and that variants that disrupt this residue are likely to be disease-causing. Advanced modeling of protein sequence and biophysical properties (such as structural, functional, and spatial information, amino acid conservation, physicochemical variation, residue mobility, and thermodynamic stability) performed at Invitae indicates that this missense variant is expected to disrupt PAH protein function. This variant has not been reported in the literature in individuals affected with PAH-related conditions. This variant is not present in population databases (gnomAD no frequency). This sequence change replaces alanine, which is neutral and non-polar, with glycine, which is neutral and non-polar, at codon 300 of the PAH protein (p.Ala300Gly).

Literature cited by the submitters: PubMed 15557004; PubMed 17935162; PubMed 18538294; PubMed 22330942; PubMed 23764561; PubMed 25155776; PubMed 25596310; PubMed 26803807; PubMed 27682710.

NM_000277.3(PAH):c.899C>G (p.Ala300Gly)

Genes: PAH (phenylalanine hydroxylase; minus strand), LOC126861615 (CDK7 strongly-dependent group 2 enhancer GRCh37_chr12:103244689-103245888; plus strand). Cytogenetic location: 12q23.2.
Variant type: single nucleotide variant.
Coding change: c.899C>G on transcript NM_000277.3 (MANE Select); coding-DNA position 899, C replaced by G.
Protein change: p.Ala300Gly; replaces alanine 300 with glycine.
Molecular consequence: missense variant.
Genome position (GRCh38, 1-based): chr12:102,851,700, G>C on the plus strand (C>G on the coding strand, the complement: PAH is on the minus strand). VCF-style: chr12-102851700-G-C. GRCh37 (hg19) VCF-style: chr12-103245478-G-C.
Other names: c.899C>G, p.Ala300Gly (NM_001354304.2); short protein forms A300G.
Identifiers: ClinVar variation 2070899 (VCV002070899.4), dbSNP rs199475609, ClinGen allele CA386294199.